The following is an entry in ClinVar:

NM_014425.5(INVS):c.1667A>C (p.Asp556Ala)

Gene: INVS (inversin; plus strand). Cytogenetic location: 9q31.1.
Variant type: single nucleotide variant.
Coding change: c.1667A>C on transcript NM_014425.5 (MANE Select); coding-DNA position 1667, A replaced by C.
Protein change: p.Asp556Ala; replaces aspartic acid 556 with alanine.
Molecular consequence: missense variant. On other transcripts: non-coding transcript variant (1).
Genome position (GRCh38, 1-based): chr9:100,272,959, A>C. VCF-style: chr9-100272959-A-C. GRCh37 (hg19) VCF-style: chr9-103035241-A-C.
Other names: c.1379A>C, p.Asp460Ala (NM_001318381.2); c.689A>C, p.Asp230Ala (NM_001318382.2); short protein forms D230A, D460A, D556A.
Identifiers: ClinVar variation 2121213 (VCV002121213.4), dbSNP rs989910600, ClinGen allele CA374238507.
Genomic context (GRCh38, chr9:100,272,959, plus strand): 5'-GCCATGAAGTGATCCAGTTCATGTTGGAGCACGGTGCCCTGTCCATCGCAGCCATACAAG[A>C]CATCGCCGCCTTCAAAATCCAAGCTGTCTACAAAGGGTACAAGGTCAGAAAAGCCTTCCG-3'
Protein context (NP_055240.2, residues 546-566): HGALSIAAIQ[Asp556Ala]IAAFKIQAVY

ClinVar aggregate classification (germline): Uncertain significance (1 of 4 stars; one submission).

Conditions:
Nephronophthisis. Also called: Juvenile Nephronophthisis. Identifiers: Orphanet 655, MedGen C0687120, MONDO:0019005, HP:0000090.

Submission:

Labcorp Genetics (formerly Invitae), Labcorp
Classification: Uncertain significance for Nephronophthisis. Last evaluated: 2023-07-17. Review status: criteria provided, single submitter. Criteria: Invitae Variant Classification Sherloc (09022015). Collection method: clinical testing. Allele origin: germline.
Comment: In summary, the available evidence is currently insufficient to determine the role of this variant in disease. Therefore, it has been classified as a Variant of Uncertain Significance. An algorithm developed to predict the effect of missense changes on protein structure and function (PolyPhen-2) suggests that this variant is likely to be disruptive. This variant has not been reported in the literature in individuals affected with INVS-related conditions. This variant is not present in population databases (gnomAD no frequency). ClinVar contains an entry for this variant (Variation ID: 2121213). This sequence change replaces aspartic acid, which is acidic and polar, with alanine, which is neutral and non-polar, at codon 556 of the INVS protein (p.Asp556Ala).